The following is an entry in ClinVar:

ClinVar aggregate classification (germline): Uncertain significance (1 of 4 stars; one submission).

Conditions:
Epileptic encephalopathy. Identifiers: MedGen C0543888, HP:0200134.

Allele frequency attached by ClinVar (database versions not stated): gnomAD exomes below 0.00001; TOPMed below 0.00001; gnomAD 0.00001.
gnomAD v4.1: 2 of 1,612,338 alleles (0.00012%); highest among the groups gnomAD compares: Non-Finnish European, 0.00017%; no homozygotes.

Submission:

Labcorp Genetics (formerly Invitae), Labcorp
Classification: Uncertain significance for Epileptic encephalopathy. Last evaluated: 2023-08-27. Review status: criteria provided, single submitter. Criteria: Invitae Variant Classification Sherloc (09022015). Collection method: clinical testing. Allele origin: germline.
Comment: In summary, the available evidence is currently insufficient to determine the role of this variant in disease. Therefore, it has been classified as a Variant of Uncertain Significance. An algorithm developed to predict the effect of missense changes on protein structure and function (PolyPhen-2) suggests that this variant is likely to be tolerated. This variant has not been reported in the literature in individuals affected with FASN-related conditions. This variant is not present in population databases (gnomAD no frequency). This sequence change replaces proline, which is neutral and non-polar, with serine, which is neutral and polar, at codon 1173 of the FASN protein (p.Pro1173Ser).

NM_004104.5(FASN):c.3517C>T (p.Pro1173Ser)

Gene: FASN (fatty acid synthase; minus strand). Cytogenetic location: 17q25.3.
Variant type: single nucleotide variant.
Coding change: c.3517C>T on transcript NM_004104.5 (MANE Select); coding-DNA position 3517, C replaced by T.
Protein change: p.Pro1173Ser; replaces proline 1173 with serine.
Molecular consequence: missense variant.
Genome position (GRCh38, 1-based): chr17:82,086,469, G>A on the plus strand (C>T on the coding strand, the complement: FASN is on the minus strand). VCF-style: chr17-82086469-G-A. GRCh37 (hg19) VCF-style: chr17-80044345-G-A.
Other names: short protein forms P1173S.
Identifiers: ClinVar variation 3007528 (VCV003007528.3), dbSNP rs1304648300, ClinGen allele CA401552291.